The following is an entry in ClinVar:

ClinVar aggregate classification (germline): Uncertain significance (1 of 4 stars; one submission).

Submission:

GeneDx
Classification: Uncertain significance. Last evaluated: 2024-03-06. Review status: criteria provided, single submitter. Criteria: GeneDx Variant Classification Process June 2021. Collection method: clinical testing. Allele origin: germline. Affected: yes.
Comment: Not observed at significant frequency in large population cohorts (gnomAD); In silico analysis supports that this missense variant does not alter protein structure/function; Has not been previously published as pathogenic or benign to our knowledge

NM_005378.6(MYCN):c.661T>A (p.Ser221Thr)

Gene: MYCN (MYCN proto-oncogene, bHLH transcription factor; plus strand). Cytogenetic location: 2p24.3.
Variant type: single nucleotide variant.
Coding change: c.661T>A on transcript NM_005378.6 (MANE Select); coding-DNA position 661, T replaced by A.
Protein change: p.Ser221Thr; replaces serine 221 with threonine.
Molecular consequence: missense variant. On other transcripts: 3 prime UTR variant (1), intron variant (1).
Genome position (GRCh38, 1-based): chr2:15,942,725, T>A. VCF-style: chr2-15942725-T-A. GRCh37 (hg19) VCF-style: chr2-16082847-T-A.
Other names: c.661T>A, p.Ser221Thr (NM_001293228.2); c.*596T>A (NM_001293233.2); c.157+1982T>A (NM_001293231.2); short protein forms S221T.
Identifiers: ClinVar variation 3340751 (VCV003340751.1).